The following is an entry in ClinVar:

NM_031892.3(SH3KBP1):c.1948C>T (p.Arg650Trp)

Gene: SH3KBP1 (SH3 domain containing kinase binding protein 1; minus strand). Cytogenetic location: Xp22.12.
Variant type: single nucleotide variant.
Coding change: c.1948C>T on transcript NM_031892.3 (MANE Select); coding-DNA position 1948, C replaced by T.
Protein change: p.Arg650Trp; replaces arginine 650 with tryptophan.
Molecular consequence: missense variant.
Genome position (GRCh38, 1-based): chrX:19,537,725, G>A on the plus strand (C>T on the coding strand, the complement: SH3KBP1 is on the minus strand). VCF-style: chrX-19537725-G-A. GRCh37 (hg19) VCF-style: chrX-19555843-G-A.
Other names: c.1837C>T, p.Arg613Trp (NM_001024666.3); c.1234C>T, p.Arg412Trp (NM_001184960.2); c.1819C>T, p.Arg607Trp (NM_001353890.2); c.2023C>T, p.Arg675Trp (NM_001353891.2); c.1894C>T, p.Arg632Trp (NM_001353892.2); c.1846C>T, p.Arg616Trp (NM_001353893.2); c.1717C>T, p.Arg573Trp (NM_001353894.2); c.1774C>T, p.Arg592Trp (NM_001353895.2); and 5 more; short protein forms R592W, R607W, R650W, R675W, R369W, R548W, R573W, R613W.
Identifiers: ClinVar variation 2804224 (VCV002804224.4), dbSNP rs748353385, ClinGen allele CA327407980.

ClinVar aggregate classification (germline): Uncertain significance. Review status: criteria provided, multiple submitters, no conflicts (2 of 4 stars). 2 submissions from 2 submitters: Uncertain significance (2). Last evaluated 2025-05-06.

Allele frequency attached by ClinVar (database versions not stated): gnomAD exomes 0.00002.
gnomAD v4.1: 17 of 1,210,870 alleles (0.0014%); highest among the groups gnomAD compares: East Asian, 0.003%; no homozygotes.

Submissions (2):

Ambry Genetics
Classification: Uncertain significance. Last evaluated: 2025-05-06. Review status: criteria provided, single submitter. Criteria: Ambry Variant Classification Scheme 2023. Collection method: clinical testing. Allele origin: germline.

Labcorp Genetics (formerly Invitae), Labcorp
Classification: Uncertain significance. Last evaluated: 2023-09-30. Review status: criteria provided, single submitter. Criteria: Invitae Variant Classification Sherloc (09022015). Collection method: clinical testing. Allele origin: germline.
Comment: In summary, the available evidence is currently insufficient to determine the role of this variant in disease. Therefore, it has been classified as a Variant of Uncertain Significance. Advanced modeling of protein sequence and biophysical properties (such as structural, functional, and spatial information, amino acid conservation, physicochemical variation, residue mobility, and thermodynamic stability) performed at Invitae indicates that this missense variant is not expected to disrupt SH3KBP1 protein function. This variant has not been reported in the literature in individuals affected with SH3KBP1-related conditions. This variant is not present in population databases (gnomAD no frequency). This sequence change replaces arginine, which is basic and polar, with tryptophan, which is neutral and slightly polar, at codon 650 of the SH3KBP1 protein (p.Arg650Trp).